The following is an entry in ClinVar:

ClinVar aggregate classification (germline): Uncertain significance (1 of 4 stars; one submission).

Conditions:
Distal hereditary motor neuropathy type 2. Identifiers: Orphanet 139525, MedGen C3711384, MeSH C580044, MONDO:0015352.

Allele frequency attached by ClinVar (database versions not stated): gnomAD exomes 0.00001; TOPMed 0.00001.
gnomAD v4.1: 11 of 1,613,856 alleles (0.00068%); highest among the groups gnomAD compares: Admixed American, 0.005%; no homozygotes.

Submission:

Labcorp Genetics (formerly Invitae), Labcorp
Classification: Uncertain significance for Distal hereditary motor neuropathy type 2. Last evaluated: 2025-06-14. Review status: criteria provided, single submitter. Criteria: Invitae Variant Classification Sherloc (09022015). Collection method: clinical testing. Allele origin: germline.
Comment: This sequence change replaces arginine, which is basic and polar, with cysteine, which is neutral and slightly polar, at codon 1083 of the FBXO38 protein (p.Arg1083Cys). This variant is present in population databases (no rsID available, gnomAD 0.006%). This variant has not been reported in the literature in individuals affected with FBXO38-related conditions. ClinVar contains an entry for this variant (Variation ID: 2737610). An algorithm developed to predict the effect of missense changes on protein structure and function (PolyPhen-2) suggests that this variant is likely to be disruptive. Algorithms developed to predict the effect of sequence changes on RNA splicing suggest that this variant may disrupt the consensus splice site. In summary, the available evidence is currently insufficient to determine the role of this variant in disease. Therefore, it has been classified as a Variant of Uncertain Significance.

NM_205836.3(FBXO38):c.3472C>T (p.Arg1158Cys)

Gene: FBXO38 (F-box protein 38; plus strand). Cytogenetic location: 5q32.
Variant type: single nucleotide variant.
Coding change: c.3472C>T on transcript NM_205836.3 (MANE Select); coding-DNA position 3472, C replaced by T.
Protein change: p.Arg1158Cys; replaces arginine 1158 with cysteine.
Molecular consequence: missense variant.
Genome position (GRCh38, 1-based): chr5:148,442,052, C>T. VCF-style: chr5-148442052-C-T. GRCh37 (hg19) VCF-style: chr5-147821615-C-T.
Other names: c.2737C>T, p.Arg913Cys (NM_001271723.2); c.3247C>T, p.Arg1083Cys (NM_030793.5); short protein forms R913C, R1083C, R1158C.
Identifiers: ClinVar variation 2737610 (VCV002737610.3), dbSNP rs1273071907, ClinGen allele CA361661705.